The following is an entry in ClinVar:

NM_006439.5(MAB21L2):c.348C>G (p.Phe116Leu)

Genes: LRBA (LPS responsive beige-like anchor protein; minus strand), MAB21L2 (mab-21 like 2; plus strand). Cytogenetic location: 4q31.3.
Variant type: single nucleotide variant.
Coding change: c.348C>G on transcript NM_006439.5 (MANE Select); coding-DNA position 348, C replaced by G.
Protein change: p.Phe116Leu; replaces phenylalanine 116 with leucine.
Molecular consequence: missense variant. On other transcripts: intron variant (6).
Genome position (GRCh38, 1-based): chr4:150,583,377, C>G. VCF-style: chr4-150583377-C-G. GRCh37 (hg19) VCF-style: chr4-151504529-C-G.
Other names: c.6330+4671G>C (NM_001367550.1, NM_001199282.3, NM_001364905.1 and 1 more transcripts); c.6363+4671G>C (NM_006726.5, NM_001440430.1); short protein forms F116L.
Identifiers: ClinVar variation 5002118 (VCV005002118.1).

ClinVar aggregate classification (germline): Uncertain significance (1 of 4 stars; one submission).

Conditions:
MAB21L2-related disorder. Also called: MAB21L2-related condition.

Submission:

PreventionGenetics, part of Exact Sciences
Classification: Uncertain significance for MAB21L2-related condition. Last evaluated: 2025-03-19. Review status: criteria provided, single submitter. Criteria: ACMG Guidelines, 2015. Collection method: clinical testing. Allele origin: germline.
Comment: The MAB21L2 c.348C>G variant is predicted to result in the amino acid substitution p.Phe116Leu. This variant has been reported in a cohort study of blepharophimosis plus anterior segment and macular dysgenesis (Table S1, Wang et al. 2023. PubMed ID: 36892533). This variant has not been reported in a large population database (gnomAD), indicating this variant is rare. At this time, the clinical significance of this variant is uncertain due to the absence of conclusive functional and genetic evidence.